The following is an entry in ClinVar:

ClinVar aggregate classification (germline): Uncertain significance (1 of 4 stars; one submission).

Conditions:
Osteogenesis imperfecta type I (OI1). Also called: Classic Non-deforming Osteogenesis Imperfecta with Blue Sclerae; OI, TYPE I; OSTEOGENESIS IMPERFECTA TARDA; OSTEOGENESIS IMPERFECTA WITH BLUE SCLERAE; Osteogenesis imperfecta type 1; Lobstein's Disease. Identifiers: Orphanet 216796, Orphanet 666, MedGen C0023931, MONDO:0008146, OMIM 166200. Disease mechanism: loss of function.

Submission:

Labcorp Genetics (formerly Invitae), Labcorp
Classification: Uncertain significance for Osteogenesis imperfecta type I. Last evaluated: 2024-01-25. Review status: criteria provided, single submitter. Criteria: Invitae Variant Classification Sherloc (09022015). Collection method: clinical testing. Allele origin: germline.
Comment: This sequence change replaces valine, which is neutral and non-polar, with aspartic acid, which is acidic and polar, at codon 1078 of the COL1A1 protein (p.Val1078Asp). This variant is not present in population databases (gnomAD no frequency). This variant has not been reported in the literature in individuals affected with COL1A1-related conditions. Advanced modeling of protein sequence and biophysical properties (such as structural, functional, and spatial information, amino acid conservation, physicochemical variation, residue mobility, and thermodynamic stability) performed at Invitae indicates that this missense variant is not expected to disrupt COL1A1 protein function with a negative predictive value of 95%. In summary, the available evidence is currently insufficient to determine the role of this variant in disease. Therefore, it has been classified as a Variant of Uncertain Significance.

NM_000088.4(COL1A1):c.3233T>A (p.Val1078Asp)

Gene: COL1A1 (collagen type I alpha 1 chain; minus strand). Cytogenetic location: 17q21.33.
Variant type: single nucleotide variant.
Coding change: c.3233T>A on transcript NM_000088.4 (MANE Select); coding-DNA position 3233, T replaced by A.
Protein change: p.Val1078Asp; replaces valine 1078 with aspartic acid.
Molecular consequence: missense variant.
Genome position (GRCh38, 1-based): chr17:50,188,124, A>T on the plus strand (T>A on the coding strand, the complement: COL1A1 is on the minus strand). VCF-style: chr17-50188124-A-T. GRCh37 (hg19) VCF-style: chr17-48265485-A-T.
Other names: short protein forms V1078D.
Identifiers: ClinVar variation 2763140 (VCV002763140.3), dbSNP rs767525556, ClinGen allele CA400200153.
Genomic context (GRCh38, chr17:50,188,124, plus strand): 5'-TAAAGGCATGGGGGACACAGCAGGGTACTTACGGCGGGGCCACGGGCGCCAACAGGGCCG[A>T]CAGGACCGGCGGGACCAGCAGGACCCTGGGGAGAGCAAGGAAAGCATGAGCTCTTGGCCA-3'
Protein context (NP_000079.2, residues 1068-1088): ETGPAGPAGP[Val1078Asp]GPVGARGPAG